The following is an entry in ClinVar:

ClinVar aggregate classification (germline): Uncertain significance (1 of 4 stars; one submission).

Conditions:
Long QT syndrome (LQTS). Identifiers: MedGen C0023976, MeSH D008133, MONDO:0002442. Disease mechanism: loss of function. Inheritance: Various modes of inheritance.

Submission:

Labcorp Genetics (formerly Invitae), Labcorp
Classification: Uncertain significance for Long QT syndrome. Last evaluated: 2025-04-01. Review status: criteria provided, single submitter. Criteria: Invitae Variant Classification Sherloc (09022015). Collection method: clinical testing. Allele origin: germline.
Comment: This sequence change replaces leucine, which is neutral and non-polar, with isoleucine, which is neutral and non-polar, at codon 1045 of the KCNH2 protein (p.Leu1045Ile). This variant is not present in population databases (gnomAD no frequency). This variant has not been reported in the literature in individuals affected with KCNH2-related conditions. ClinVar contains an entry for this variant (Variation ID: 2996262). An algorithm developed to predict the effect of missense changes on protein structure and function (PolyPhen-2) suggests that this variant is likely to be disruptive. In summary, the available evidence is currently insufficient to determine the role of this variant in disease. Therefore, it has been classified as a Variant of Uncertain Significance.

NM_000238.4(KCNH2):c.3133C>A (p.Leu1045Ile)

Gene: KCNH2 (potassium voltage-gated channel subfamily H member 2; minus strand). Cytogenetic location: 7q36.1.
Variant type: single nucleotide variant.
Coding change: c.3133C>A on transcript NM_000238.4 (MANE Select); coding-DNA position 3133, C replaced by A.
Protein change: p.Leu1045Ile; replaces leucine 1045 with isoleucine.
Molecular consequence: missense variant. On other transcripts: non-coding transcript variant (2).
Genome position (GRCh38, 1-based): chr7:150,947,347, G>T on the plus strand (C>A on the coding strand, the complement: KCNH2 is on the minus strand). VCF-style: chr7-150947347-G-T. GRCh37 (hg19) VCF-style: chr7-150644435-G-T.
Other names: c.2845C>A, p.Leu949Ile (NM_001406753.1); c.2113C>A, p.Leu705Ile (NM_172057.3); short protein forms L949I, L705I, L1045I.
Identifiers: ClinVar variation 2996262 (VCV002996262.3), dbSNP rs199473025, ClinGen allele CA369852534.